The following is an entry in ClinVar:

NM_000062.3(SERPING1):c.1142C>T (p.Ala381Val)

Gene: SERPING1 (serpin family G member 1; plus strand). Cytogenetic location: 11q12.1.
Variant type: single nucleotide variant.
Coding change: c.1142C>T on transcript NM_000062.3 (MANE Select); coding-DNA position 1142, C replaced by T.
Protein change: p.Ala381Val; replaces alanine 381 with valine.
Molecular consequence: missense variant.
Genome position (GRCh38, 1-based): chr11:57,611,829, C>T. VCF-style: chr11-57611829-C-T. GRCh37 (hg19) VCF-style: chr11-57379302-C-T.
Other names: c.1142C>T, p.Ala381Val (NM_001032295.2); short protein forms A381V.
Identifiers: ClinVar variation 1019743 (VCV001019743.8), dbSNP rs779296414, ClinGen allele CA6008231.

ClinVar aggregate classification (germline): Uncertain significance (1 of 4 stars; one submission).

Allele frequency attached by ClinVar (database versions not stated): gnomAD exomes 0.00001; TOPMed 0.00001; ExAC 0.00002.
gnomAD v4.1: 4 of 1,614,138 alleles (0.00025%); highest among the groups gnomAD compares: Non-Finnish European, 0.00034%; no homozygotes.

Submission:

Labcorp Genetics (formerly Invitae), Labcorp
Classification: Uncertain significance. Last evaluated: 2025-04-17. Review status: criteria provided, single submitter. Criteria: Invitae Variant Classification Sherloc (09022015). Collection method: clinical testing. Allele origin: germline.
Comment: This sequence change replaces alanine, which is neutral and non-polar, with valine, which is neutral and non-polar, at codon 381 of the SERPING1 protein (p.Ala381Val). This variant is present in population databases (rs779296414, gnomAD 0.002%). This missense change has been observed in individual(s) with hereditary angioedema (PMID: 18586324). This variant is also known as p.Ala359Val and the SERPING1 gene is also known as C1INH. ClinVar contains an entry for this variant (Variation ID: 1019743). Invitae Evidence Modeling of protein sequence and biophysical properties (such as structural, functional, and spatial information, amino acid conservation, physicochemical variation, residue mobility, and thermodynamic stability) has been performed for this missense variant. However, the output from this modeling did not meet the statistical confidence thresholds required to predict the impact of this variant on SERPING1 protein function. In summary, the available evidence is currently insufficient to determine the role of this variant in disease. Therefore, it has been classified as a Variant of Uncertain Significance.

Literature cited by the submitters: PubMed 18586324.